The following is an entry in ClinVar:

NM_001256012.3(MYH10):c.1895A>C (p.Glu632Ala)

Gene: MYH10 (myosin heavy chain 10; minus strand). Cytogenetic location: 17p13.1.
Variant type: single nucleotide variant.
Coding change: c.1895A>C on transcript NM_001256012.3 (MANE Select); coding-DNA position 1895, A replaced by C.
Protein change: p.Glu632Ala; replaces glutamic acid 632 with alanine.
Molecular consequence: missense variant. On other transcripts: intron variant (3).
Genome position (GRCh38, 1-based): chr17:8,530,685, T>G on the plus strand (A>C on the coding strand, the complement: MYH10 is on the minus strand). VCF-style: chr17-8530685-T-G. GRCh37 (hg19) VCF-style: chr17-8434003-T-G.
Other names: c.1894+4702A>C (NM_001375266.1); c.1864+4702A>C (NM_005964.5); c.1891+4702A>C (NM_001256095.2); short protein forms E632A.
Identifiers: ClinVar variation 2444807 (VCV002444807.2), dbSNP rs2544418584, ClinGen allele CA398042567.

ClinVar aggregate classification (germline): Uncertain significance (1 of 4 stars; one submission).

Allele frequency attached by ClinVar (database versions not stated): gnomAD exomes below 0.00001.

Submission:

GeneDx
Classification: Uncertain significance. Last evaluated: 2026-06-30. Review status: criteria provided, single submitter. Criteria: GeneDx Variant Classification Process June 2021. Collection method: clinical testing. Allele origin: germline.
Comment: Not observed at significant frequency in large population cohorts (gnomAD); In silico analysis supports that this missense variant does not alter protein structure/function; Has not been previously published as pathogenic or benign to our knowledge